The following is an entry in ClinVar:

NM_017613.4(DONSON):c.1355G>T (p.Arg452Leu)

Gene: DONSON (DNA replication fork stabilization factor DONSON; minus strand). Cytogenetic location: 21q22.11.
Variant type: single nucleotide variant.
Coding change: c.1355G>T on transcript NM_017613.4 (MANE Select); coding-DNA position 1355, G replaced by T.
Protein change: p.Arg452Leu; replaces arginine 452 with leucine.
Molecular consequence: missense variant.
Genome position (GRCh38, 1-based): chr21:33,579,558, C>A on the plus strand (G>T on the coding strand, the complement: DONSON is on the minus strand). VCF-style: chr21-33579558-C-A. GRCh37 (hg19) VCF-style: chr21-34951864-C-A.
Other names: short protein forms R452L.
Identifiers: ClinVar variation 2053432 (VCV002053432.3), dbSNP rs766790421, ClinGen allele CA410131977.

ClinVar aggregate classification (germline): Uncertain significance (1 of 4 stars; one submission).

gnomAD v4.1: 2 of 1,609,820 alleles (0.00012%); highest among the groups gnomAD compares: Non-Finnish European, 0.000085%; no homozygotes.

Submission:

Labcorp Genetics (formerly Invitae), Labcorp
Classification: Uncertain significance. Last evaluated: 2025-07-14. Review status: criteria provided, single submitter. Criteria: Invitae Variant Classification Sherloc (09022015). Collection method: clinical testing. Allele origin: germline.
Comment: This sequence change replaces arginine, which is basic and polar, with leucine, which is neutral and non-polar, at codon 452 of the DONSON protein (p.Arg452Leu). This variant is not present in population databases (gnomAD no frequency). This variant has not been reported in the literature in individuals affected with DONSON-related conditions. ClinVar contains an entry for this variant (Variation ID: 2053432). An algorithm developed to predict the effect of missense changes on protein structure and function (PolyPhen-2) suggests that this variant is likely to be disruptive. In summary, the available evidence is currently insufficient to determine the role of this variant in disease. Therefore, it has been classified as a Variant of Uncertain Significance.